The following is an entry in ClinVar:

ClinVar aggregate classification (germline): Uncertain significance (1 of 4 stars; one submission).

gnomAD v4.1: 7 of 1,611,774 alleles (0.00043%); highest among the groups gnomAD compares: Admixed American, 0.0017%; no homozygotes.

Submission:

Ambry Genetics
Classification: Uncertain significance. Last evaluated: 2024-09-11. Review status: criteria provided, single submitter. Criteria: Ambry Variant Classification Scheme 2023. Collection method: clinical testing. Allele origin: germline.
Comment: The p.M292V variant (also known as c.874A>G), located in coding exon 9 of the SLMAP gene, results from an A to G substitution at nucleotide position 874. The methionine at codon 292 is replaced by valine, an amino acid with highly similar properties. This amino acid position is conserved. In addition, the in silico prediction for this alteration is inconclusive. Based on the available evidence, the clinical significance of this variant remains unclear.

NM_001377540.1(SLMAP):c.874A>G (p.Met292Val)

Gene: SLMAP (sarcolemma associated protein; plus strand). Cytogenetic location: 3p14.3.
Variant type: single nucleotide variant.
Coding change: c.874A>G on transcript NM_001377540.1 (MANE Select); coding-DNA position 874, A replaced by G.
Protein change: p.Met292Val; replaces methionine 292 with valine.
Molecular consequence: missense variant. On other transcripts: non-coding transcript variant (1).
Genome position (GRCh38, 1-based): chr3:57,861,994, A>G. VCF-style: chr3-57861994-A-G. GRCh37 (hg19) VCF-style: chr3-57847721-A-G.
Other names: c.874A>G, p.Met292Val (NM_001304420.3, NM_001304421.2, NM_001377538.1 and 17 more transcripts); short protein forms M292V.
Identifiers: ClinVar variation 3445705 (VCV003445705.1).
Genomic context (GRCh38, chr3:57,861,994, plus strand): 5'-AAACTTGAATCGCAGCGAAGTCTGAGTAATACTGAAGATGAATGTACCCATCTGAAAGAA[A>G]TGAATGAAAGGACTCAGGAAGAATTAAGAGAATTAGCCAACAAATATAATGGAGCAGTTA-3'
Protein context (NP_001364469.1, residues 282-302): TEDECTHLKE[Met292Val]NERTQEELRE